The following is an entry in ClinVar:

ClinVar aggregate classification (germline): Uncertain significance. Review status: criteria provided, multiple submitters, no conflicts (2 of 4 stars). 4 submissions from 4 submitters: Uncertain significance (3). 1 of the submissions does not count toward it. Last evaluated 2026-01-26.

Conditions:
Epidermolysis bullosa dystrophica. Also called: Dystrophic epidermolysis bullosa, Hallopeau-Siemens type (formerly); Dystrophic epidermolysis bullosa. Identifiers: Orphanet 303, MedGen C0079294, MONDO:0006543.
Epidermolysis bullosa dystrophica inversa, autosomal recessive. Identifiers: MedGen C2673612.

Allele frequency attached by ClinVar (database versions not stated): ExAC 0.00004; gnomAD exomes 0.00004 and 0.00005; gnomAD 0.00011 and 0.00012; ESP Exome Variant Server 0.00015; TOPMed 0.00017.
gnomAD v4.1: 87 of 1,613,952 alleles (0.0054%); highest among the groups gnomAD compares: African/African-American, 0.031%; no homozygotes.

Submissions (4):

Labcorp Genetics (formerly Invitae), Labcorp
Classification: Uncertain significance. Last evaluated: 2026-01-26. Review status: criteria provided, single submitter. Criteria: Invitae Variant Classification Sherloc (09022015). Collection method: clinical testing. Allele origin: germline.
Comment: This sequence change replaces arginine, which is basic and polar, with tryptophan, which is neutral and slightly polar, at codon 1594 of the COL7A1 protein (p.Arg1594Trp). This variant is present in population databases (rs267599859, gnomAD 0.03%). This variant has not been reported in the literature in individuals affected with COL7A1-related conditions. ClinVar contains an entry for this variant (Variation ID: 75130). Experimental studies and prediction algorithms are not available or were not evaluated, and the functional significance of this variant is currently unknown. In summary, the available evidence is currently insufficient to determine the role of this variant in disease. Therefore, it has been classified as a Variant of Uncertain Significance.

GeneDx
Classification: Uncertain significance. Last evaluated: 2022-11-02. Review status: criteria provided, single submitter. Criteria: GeneDx Variant Classification Process June 2021. Collection method: clinical testing. Allele origin: germline. Affected: yes.
Comment: In silico analysis supports that this missense variant has a deleterious effect on protein structure/function; Has not been previously published as pathogenic or benign to our knowledge; Within the triple helical region replaces the Y position of the canonical Gly-X-Y repeat

Illumina Laboratory Services, Illumina
Classification: Uncertain significance for Dystrophic epidermolysis bullosa. Last evaluated: 2018-01-13. Review status: criteria provided, single submitter. Criteria: ICSL Variant Classification Criteria 13 December 2019. Collection method: clinical testing. Allele origin: germline.

Natera, Inc.
Classification: Uncertain significance for Autosomal recessive epidermolysis bullosa dystrophica inversa. Last evaluated: 2020-11-02. Review status: no assertion criteria provided. Collection method: clinical testing. Allele origin: germline. Not counted in ClinVar's aggregate classification.

NM_000094.4(COL7A1):c.4780C>T (p.Arg1594Trp)

Gene: COL7A1 (collagen type VII alpha 1 chain; minus strand). Cytogenetic location: 3p21.31.
Variant type: single nucleotide variant.
Coding change: c.4780C>T on transcript NM_000094.4 (MANE Select); coding-DNA position 4780, C replaced by T.
Protein change: p.Arg1594Trp; replaces arginine 1594 with tryptophan.
Molecular consequence: missense variant.
Genome position (GRCh38, 1-based): chr3:48,581,575, G>A on the plus strand (C>T on the coding strand, the complement: COL7A1 is on the minus strand). VCF-style: chr3-48581575-G-A. GRCh37 (hg19) VCF-style: chr3-48619008-G-A.
Other names: short protein forms R1594W.
Identifiers: ClinVar variation 75130 (VCV000075130.9), dbSNP rs267599859, ClinGen allele CA2379858.